The following is an entry in ClinVar:

ClinVar aggregate classification (germline): Uncertain significance. Review status: criteria provided, multiple submitters, no conflicts (2 of 4 stars). 2 submissions from 2 submitters: Uncertain significance (2). Last evaluated 2023-01-26.

Allele frequency attached by ClinVar (database versions not stated): gnomAD 0.00001; gnomAD exomes 0.00001; TOPMed 0.00001.
gnomAD v4.1: 12 of 1,613,922 alleles (0.00074%); highest among the groups gnomAD compares: East Asian, 0.0045%; no homozygotes.

Submissions (2):

Ambry Genetics
Classification: Uncertain significance. Last evaluated: 2023-01-26. Review status: criteria provided, single submitter. Criteria: Ambry Variant Classification Scheme 2023. Collection method: clinical testing. Allele origin: germline.

Labcorp Genetics (formerly Invitae), Labcorp
Classification: Uncertain significance. Last evaluated: 2022-08-31. Review status: criteria provided, single submitter. Criteria: Invitae Variant Classification Sherloc (09022015). Collection method: clinical testing. Allele origin: germline.
Comment: In summary, the available evidence is currently insufficient to determine the role of this variant in disease. Therefore, it has been classified as a Variant of Uncertain Significance. Algorithms developed to predict the effect of missense changes on protein structure and function are either unavailable or do not agree on the potential impact of this missense change (SIFT: "Deleterious"; PolyPhen-2: "Probably Damaging"; Align-GVGD: "Class C0"). This variant has not been reported in the literature in individuals affected with ERMARD-related conditions. This variant is present in population databases (no rsID available, gnomAD 0.003%). This sequence change replaces valine, which is neutral and non-polar, with methionine, which is neutral and non-polar, at codon 68 of the ERMARD protein (p.Val68Met).

NM_018341.3(ERMARD):c.202G>A (p.Val68Met)

Gene: ERMARD (ER membrane associated RNA degradation; plus strand). Cytogenetic location: 6q27.
Variant type: single nucleotide variant.
Coding change: c.202G>A on transcript NM_018341.3 (MANE Select); coding-DNA position 202, G replaced by A.
Protein change: p.Val68Met; replaces valine 68 with methionine.
Molecular consequence: missense variant. On other transcripts: 5 prime UTR variant (1).
Genome position (GRCh38, 1-based): chr6:169,755,309, G>A. VCF-style: chr6-169755309-G-A. GRCh37 (hg19) VCF-style: chr6-170155405-G-A.
Other names: c.202G>A (NM_018341.1); c.202G>A, p.Val68Met (NM_001278531.2, NM_001278533.2); c.-177G>A (NM_001278532.2, NM_001410957.1); short protein forms V68M.
Identifiers: ClinVar variation 2176902 (VCV002176902.6), dbSNP rs1211412748, ClinGen allele CA366504582.